The following is an entry in ClinVar:

NM_016032.4(ZDHHC9):c.274G>A (p.Gly92Arg)

Gene: ZDHHC9 (zDHHC palmitoyltransferase 9; minus strand). Cytogenetic location: Xq26.1.
Variant type: single nucleotide variant.
Coding change: c.274G>A on transcript NM_016032.4 (MANE Select); coding-DNA position 274, G replaced by A.
Protein change: p.Gly92Arg; replaces glycine 92 with arginine.
Molecular consequence: missense variant.
Genome position (GRCh38, 1-based): chrX:129,829,035, C>T on the plus strand (G>A on the coding strand, the complement: ZDHHC9 is on the minus strand). VCF-style: chrX-129829035-C-T. GRCh37 (hg19) VCF-style: chrX-128963011-C-T.
Other names: c.274G>A, p.Gly92Arg (NM_001008222.3); short protein forms G92R.
Identifiers: ClinVar variation 1060624 (VCV001060624.11), dbSNP rs2124124576, ClinGen allele CA414592591.

ClinVar aggregate classification (germline): Uncertain significance. Review status: criteria provided, multiple submitters, no conflicts (2 of 4 stars). 2 submissions from 2 submitters: Uncertain significance (2). Last evaluated 2026-01-12.

Conditions:
Intellectual developmental disorder, X-linked, syndromic, Raymond type. Also called: Syndromic X-linked intellectual disability Raymond type. Identifiers: MedGen C3275406, MONDO:0010427, OMIM 300799.

Submissions (2):

GeneDx
Classification: Uncertain significance. Last evaluated: 2026-01-12. Review status: criteria provided, single submitter. Criteria: GeneDx Variant Classification Process June 2021. Collection method: clinical testing. Allele origin: germline.
Comment: Not observed at significant frequency in large population cohorts (gnomAD); In silico analysis supports that this missense variant has a deleterious effect on protein structure/function; Has not been previously published as pathogenic or benign to our knowledge

Labcorp Genetics (formerly Invitae), Labcorp
Classification: Uncertain significance for Intellectual developmental disorder, X-linked, syndromic, Raymond type. Last evaluated: 2025-09-03. Review status: criteria provided, single submitter. Criteria: Invitae Variant Classification Sherloc (09022015). Collection method: clinical testing. Allele origin: germline.
Comment: This sequence change replaces glycine, which is neutral and non-polar, with arginine, which is basic and polar, at codon 92 of the ZDHHC9 protein (p.Gly92Arg). This variant is not present in population databases (gnomAD no frequency). This variant has not been reported in the literature in individuals affected with ZDHHC9-related conditions. ClinVar contains an entry for this variant (Variation ID: 1060624). Invitae Evidence Modeling of protein sequence and biophysical properties (such as structural, functional, and spatial information, amino acid conservation, physicochemical variation, residue mobility, and thermodynamic stability) indicates that this missense variant is expected to disrupt ZDHHC9 protein function with a positive predictive value of 80%. In summary, the available evidence is currently insufficient to determine the role of this variant in disease. Therefore, it has been classified as a Variant of Uncertain Significance.